The following is an entry in ClinVar:

ClinVar aggregate classification (germline): Benign/Likely benign. Review status: criteria provided, multiple submitters, no conflicts (2 of 4 stars). 9 submissions from 6 submitters: Benign (6); Likely benign (2). 1 of the submissions does not count toward it. Last evaluated 2026-02-03.

Conditions:
Retinitis pigmentosa (RP). Identifiers: Orphanet 791, MedGen C0035334, MeSH D012174, MONDO:0019200, OMIM 268000. Inheritance: Autosomal dominant, autosomal recessive and X linked inheritance.
Cone-rod dystrophy 12 (CORD12). Identifiers: Orphanet 1872, MedGen C2675210, MONDO:0012983, OMIM 612657.
Retinal macular dystrophy type 2 (MCDR2). Also called: Bull's eye macular dystrophy. Identifiers: Orphanet 319640, MedGen C4749334, MONDO:0011957, OMIM 608051.
Stargardt disease 4 (STGD4). Identifiers: Orphanet 827, MedGen C1863534, MONDO:0011370, OMIM 603786.

Allele frequency attached by ClinVar (database versions not stated): 1000 Genomes Project 30x 0.01640; 1000 Genomes Project 0.01757; TOPMed 0.03174; ESP Exome Variant Server 0.03201; gnomAD 0.03475 and 0.03551.
gnomAD v4.1: 70,596 of 1,606,490 alleles (4.4%); highest among the groups gnomAD compares: Middle Eastern, 5.3%; 1,781 homozygotes.

Submissions (9):

Labcorp Genetics (formerly Invitae), Labcorp
Classification: Benign. Last evaluated: 2026-02-03. Review status: criteria provided, single submitter. Criteria: Invitae Variant Classification Sherloc (09022015). Collection method: clinical testing. Allele origin: germline.

GeneDx
Classification: Benign. Last evaluated: 2018-07-18. Review status: criteria provided, single submitter. Criteria: GeneDx Variant Classification Process June 2021. Collection method: clinical testing. Allele origin: germline. Affected: yes.

Illumina Laboratory Services, Illumina
Classification: Benign for Cone-rod dystrophy 12. Last evaluated: 2018-01-13. Review status: criteria provided, single submitter. Criteria: ICSL Variant Classification Criteria 13 December 2019. Collection method: clinical testing. Allele origin: germline.
Comment: This variant was observed in the ICSL laboratory as part of a predisposition screen in an ostensibly healthy population. It had not been previously curated by ICSL or reported in the Human Gene Mutation Database (HGMD: prior to June 1st, 2018), and was therefore a candidate for classification through an automated scoring system. Utilizing variant allele frequency, disease prevalence and penetrance estimates, and inheritance mode, an automated score was calculated to assess if this variant is too frequent to cause the disease. Based on the score and internal cut-off values, a variant classified as benign is not then subjected to further curation. The score for this variant resulted in a classification of benign for this disease.

Illumina Laboratory Services, Illumina
Classification: Benign for Retinal macular dystrophy type 2. Last evaluated: 2018-01-13. Review status: criteria provided, single submitter. Criteria: ICSL Variant Classification Criteria 13 December 2019. Collection method: clinical testing. Allele origin: germline.
Comment: the same text as in the submission from Illumina Laboratory Services, Illumina above.

Illumina Laboratory Services, Illumina
Classification: Benign for Stargardt disease 4. Last evaluated: 2018-01-13. Review status: criteria provided, single submitter. Criteria: ICSL Variant Classification Criteria 13 December 2019. Collection method: clinical testing. Allele origin: germline.
Comment: the same text as in the submission from Illumina Laboratory Services, Illumina above.

Illumina Laboratory Services, Illumina
Classification: Likely benign for Retinitis pigmentosa. Last evaluated: 2018-01-13. Review status: criteria provided, single submitter. Criteria: ICSL Variant Classification Criteria 13 December 2019. Collection method: clinical testing. Allele origin: germline.
Comment: This variant was observed in the ICSL laboratory as part of a predisposition screen in an ostensibly healthy population. It had not been previously curated by ICSL or reported in the Human Gene Mutation Database (HGMD: prior to June 1st, 2018), and was therefore a candidate for classification through an automated scoring system. Utilizing variant allele frequency, disease prevalence and penetrance estimates, and inheritance mode, an automated score was calculated to assess if this variant is too frequent to cause the disease. Based on the score and internal cut-off values, a variant classified as likely benign is not then subjected to further curation. The score for this variant resulted in a classification of likely benign for this disease.

Breakthrough Genomics
Classification: Likely benign. Review status: criteria provided, single submitter. Criteria: ACMG Guidelines, 2015. Collection method: not provided. Allele origin: germline. Inheritance: Autosomal recessive inheritance. Affected: yes.

PreventionGenetics, part of Exact Sciences
Classification: Benign. Review status: criteria provided, single submitter. Criteria: ACMG Guidelines, 2015. Collection method: clinical testing. Allele origin: germline.

NEI Ophthalmic Genomics Laboratory, National Institutes of Health
No classification provided. Review status: no classification provided. Collection method: not provided. Allele origin: not provided. Not counted in ClinVar's aggregate classification.

NM_006017.3(PROM1):c.1768-5C>T

Gene: PROM1 (prominin 1; minus strand). Cytogenetic location: 4p15.32.
Variant type: single nucleotide variant.
Coding change: c.1768-5C>T on transcript NM_006017.3 (MANE Select); 5 bases into the intron before coding-DNA position 1768, C replaced by T.
Molecular consequence: intron variant.
Genome position (GRCh38, 1-based): chr4:15,992,396, G>A on the plus strand (C>T on the coding strand, the complement: PROM1 is on the minus strand). VCF-style: chr4-15992396-G-A. GRCh37 (hg19) VCF-style: chr4-15994019-G-A.
Other names: c.1741-5C>T (NM_001145848.2, NM_001145852.2, NM_001145847.2 and 4 more transcripts); c.1768-5C>T (NM_001145850.2, NM_001145849.2).
Identifiers: ClinVar variation 100578 (VCV000100578.17), dbSNP rs55708318, ClinGen allele CA228912.